The following is an entry in ClinVar:

NM_004304.5(ALK):c.1180G>A (p.Gly394Arg)

Gene: ALK (ALK receptor tyrosine kinase; minus strand). Cytogenetic location: 2p23.2.
Variant type: single nucleotide variant.
Coding change: c.1180G>A on transcript NM_004304.5 (MANE Select); coding-DNA position 1180, G replaced by A.
Protein change: p.Gly394Arg; replaces glycine 394 with arginine.
Molecular consequence: missense variant.
Genome position (GRCh38, 1-based): chr2:29,383,834, C>T on the plus strand (G>A on the coding strand, the complement: ALK is on the minus strand). VCF-style: chr2-29383834-C-T. GRCh37 (hg19) VCF-style: chr2-29606700-C-T.
Other names: short protein forms G394R.
Identifiers: ClinVar variation 843389 (VCV000843389.9), dbSNP rs775514690, ClinGen allele CA44939739.
Genomic context (GRCh38, chr2:29,383,834, plus strand): 5'-AGCTGCGGTTTCCACTGGAGATGTATTCCAGGGCCACTCGAAATGGGTTGTCTGGACGCC[C>T]GATTCTTCCCTGGAGCACTGTCCAACTGGTTGCATTGGAAAACAGAGGAGAAAAGCATAG-3'
Protein context (NP_004295.2, residues 384-404): HGWTVLQGRI[Gly394Arg]RPDNPFRVAL

ClinVar aggregate classification (germline): Uncertain significance. Review status: criteria provided, multiple submitters, no conflicts (2 of 4 stars). 3 submissions from 3 submitters: Uncertain significance (3). Last evaluated 2026-01-13.

Conditions:
Hereditary cancer-predisposing syndrome. Also called: Neoplastic Syndromes, Hereditary; Hereditary neoplastic syndrome; Tumor predisposition; Hereditary Cancer Syndrome. Identifiers: Orphanet 140162, MedGen C0027672, MeSH D009386, MONDO:0015356.
Neuroblastoma, susceptibility to, 3. Also called: ALK-Related Neuroblastic Tumor Susceptibility. Identifiers: Orphanet 635, MedGen C2751681, MONDO:0013083, OMIM 613014.

Allele frequency attached by ClinVar (database versions not stated): gnomAD exomes below 0.00001; gnomAD 0.00001; TOPMed 0.00001.
gnomAD v4.1: 6 of 1,613,918 alleles (0.00037%); highest among the groups gnomAD compares: Admixed American, 0.0017%; no homozygotes.

Submissions (3):

Labcorp Genetics (formerly Invitae), Labcorp
Classification: Uncertain significance for Neuroblastoma, susceptibility to, 3. Last evaluated: 2026-01-13. Review status: criteria provided, single submitter. Criteria: Invitae Variant Classification Sherloc (09022015). Collection method: clinical testing. Allele origin: germline.
Comment: This sequence change replaces glycine, which is neutral and non-polar, with arginine, which is basic and polar, at codon 394 of the ALK protein (p.Gly394Arg). This variant is present in population databases (rs775514690, gnomAD 0.003%). This variant has not been reported in the literature in individuals affected with ALK-related conditions. ClinVar contains an entry for this variant (Variation ID: 843389). An algorithm developed to predict the effect of missense changes on protein structure and function (PolyPhen-2) suggests that this variant is likely to be disruptive. In summary, the available evidence is currently insufficient to determine the role of this variant in disease. Therefore, it has been classified as a Variant of Uncertain Significance.

Ambry Genetics
Classification: Uncertain significance for Hereditary cancer-predisposing syndrome. Last evaluated: 2025-01-06. Review status: criteria provided, single submitter. Criteria: Ambry Variant Classification Scheme 2023. Collection method: clinical testing. Allele origin: germline.
Comment: The p.G394R variant (also known as c.1180G>A), located in coding exon 5 of the ALK gene, results from a G to A substitution at nucleotide position 1180. The glycine at codon 394 is replaced by arginine, an amino acid with dissimilar properties. This amino acid position is conserved. In addition, this alteration is predicted to be tolerated by in silico analysis. Based on the available evidence, the clinical significance of this variant remains unclear.

GeneDx
Classification: Uncertain significance. Last evaluated: 2023-03-06. Review status: criteria provided, single submitter. Criteria: GeneDx Variant Classification Process June 2021. Collection method: clinical testing. Allele origin: germline. Affected: yes.
Comment: Not observed at significant frequency in large population cohorts (gnomAD); In silico analysis supports that this missense variant has a deleterious effect on protein structure/function; Has not been previously published as pathogenic or benign to our knowledge; This variant is associated with the following publications: (PMID: 25714698)